The following is an entry in ClinVar:

NM_001378452.1(ITPR1):c.8191-14T>G

Gene: ITPR1 (inositol 1,4,5-trisphosphate receptor type 1; plus strand). Cytogenetic location: 3p26.1.
Variant type: single nucleotide variant.
Coding change: c.8191-14T>G on transcript NM_001378452.1 (MANE Select); 14 bases into the intron before coding-DNA position 8191, T replaced by G.
Molecular consequence: intron variant.
Genome position (GRCh38, 1-based): chr3:4,846,125, T>G. VCF-style: chr3-4846125-T-G. GRCh37 (hg19) VCF-style: chr3-4887809-T-G.
Other names: c.8047-14T>G (NM_001099952.4); c.8146-14T>G (NM_001168272.2); c.8002-14T>G (NM_002222.7).
Identifiers: ClinVar variation 2963550 (VCV002963550.3), dbSNP rs1364330041, ClinGen allele CA541042001.

ClinVar aggregate classification (germline): Uncertain significance (1 of 4 stars; one submission).

Allele frequency attached by ClinVar (database versions not stated): gnomAD exomes below 0.00001; TOPMed below 0.00001; gnomAD 0.00001.
gnomAD v4.1: 3 of 1,525,438 alleles (0.0002%); highest among the groups gnomAD compares: East Asian, 0.0073%; no homozygotes.

Submission:

Labcorp Genetics (formerly Invitae), Labcorp
Classification: Uncertain significance. Last evaluated: 2024-05-31. Review status: criteria provided, single submitter. Criteria: Invitae Variant Classification Sherloc (09022015). Collection method: clinical testing. Allele origin: germline.
Comment: This sequence change falls in intron 57 of the ITPR1 gene. It does not directly change the encoded amino acid sequence of the ITPR1 protein. This variant is present in population databases (no rsID available, gnomAD 0.06%). This variant has not been reported in the literature in individuals affected with ITPR1-related conditions. Algorithms developed to predict the effect of sequence changes on RNA splicing suggest that this variant may disrupt the consensus splice site. In summary, the available evidence is currently insufficient to determine the role of this variant in disease. Therefore, it has been classified as a Variant of Uncertain Significance.